The following is an entry in ClinVar:

NM_000018.4(ACADVL):c.658_659del (p.Ser220fs)

Gene: ACADVL (acyl-CoA dehydrogenase very long chain; plus strand). Cytogenetic location: 17p13.1.
Variant type: Deletion.
Coding change: c.658_659del on transcript NM_000018.4 (MANE Select); coding-DNA positions 658 to 659, 2 bases deleted (TC; older notation c.658_659delTC).
Protein change: p.Ser220fs; shifts the reading frame from serine 220.
Molecular consequence: frameshift variant.
Genome position (GRCh38, 1-based): chr17:7,221,987-7,221,988, TC deleted; deleting any 2 consecutive bases within chr17:7,221,986-7,221,988 gives the same sequence; the c. name uses the placement nearest the transcript's 3' end. VCF-style (leftmost placement, unchanged base first): chr17-7221985-CCT-C. GRCh37 (hg19) VCF-style: chr17-7125304-CCT-C.
Other names: c.592_593del, p.Ser198fs (NM_001033859.3); c.727_728del, p.Ser243fs (NM_001270447.2); c.430_431del, p.Ser144fs (NM_001270448.2); short protein forms S144fs, S198fs, S220fs, S243fs.
Identifiers: ClinVar variation 1724090 (VCV001724090.2), dbSNP rs2508297195, ClinGen allele CA2580094804.

ClinVar aggregate classification (germline): Likely pathogenic (1 of 4 stars; one submission).

Conditions:
Very long chain acyl-CoA dehydrogenase deficiency (ACADVLD). Also called: Very Long-Chain Acyl-Coenzyme A Dehydrogenase Deficiency; VLCAD Deficiency. Identifiers: Orphanet 26793, MedGen C3887523, MONDO:0008723, OMIM 201475.

Submission:

Myriad Genetics, Inc.
Classification: Likely pathogenic for Very long chain acyl-CoA dehydrogenase deficiency. Last evaluated: 2022-01-25. Review status: criteria provided, single submitter. Criteria: Myriad Women's Health Autosomal Recessive and X-Linked Classification Criteria (2021). Collection method: clinical testing. Allele origin: unknown.
Comment: NM_000018.3(ACADVL):c.658_659delTC(S220Kfs*32) is expected to be pathogenic in the context of very-long-chain acyl-CoA dehydrogenase deficiency. This variant is predicted to lead to an abnormal or absent protein product due to the creation of a premature termination codon in ACADVL, a gene where loss-of-function variants are known to be pathogenic. Please note: this variant was assessed in the context of healthy population screening.